The following is an entry in ClinVar:

NM_000702.4(ATP1A2):c.2614G>A (p.Glu872Lys)

Gene: ATP1A2 (ATPase Na+/K+ transporting subunit alpha 2; plus strand). Cytogenetic location: 1q23.2.
Variant type: single nucleotide variant.
Coding change: c.2614G>A on transcript NM_000702.4 (MANE Select); coding-DNA position 2614, G replaced by A.
Protein change: p.Glu872Lys; replaces glutamic acid 872 with lysine.
Molecular consequence: missense variant.
Genome position (GRCh38, 1-based): chr1:160,136,620, G>A. VCF-style: chr1-160136620-G-A. GRCh37 (hg19) VCF-style: chr1-160106410-G-A.
Other names: short protein forms E872K.
Identifiers: ClinVar variation 3390412 (VCV003390412.1).
Genomic context (GRCh38, chr1:160,136,620, plus strand): 5'-CTACCCACAGGGATGATCCAGGCACTGGGTGGCTTCTTCACCTACTTTGTGATCCTGGCA[G>A]AGAACGGTTTCCTGCCATCACGGCTACTGGGAATCCGCCTCGACTGGGATGACCGGACCA-3'
Protein context (NP_000693.1, residues 862-882): GFFTYFVILA[Glu872Lys]NGFLPSRLLG

ClinVar aggregate classification (germline): Uncertain significance (1 of 4 stars; one submission).

Submission:

GeneDx
Classification: Uncertain significance. Last evaluated: 2024-06-11. Review status: criteria provided, single submitter. Criteria: GeneDx Variant Classification Process June 2021. Collection method: clinical testing. Allele origin: germline. Affected: yes.
Comment: Not observed at significant frequency in large population cohorts (gnomAD); In silico analysis indicates that this missense variant does not alter protein structure/function; Has not been previously published as pathogenic or benign to our knowledge